The following is an entry in ClinVar:

NM_133372.3(FNIP1):c.3070C>T (p.Arg1024Cys)

Gene: FNIP1 (folliculin interacting protein 1; minus strand). Cytogenetic location: 5q31.1.
Variant type: single nucleotide variant.
Coding change: c.3070C>T on transcript NM_133372.3 (MANE Select); coding-DNA position 3070, C replaced by T.
Protein change: p.Arg1024Cys; replaces arginine 1024 with cysteine.
Molecular consequence: missense variant.
Genome position (GRCh38, 1-based): chr5:131,670,501, G>A on the plus strand (C>T on the coding strand, the complement: FNIP1 is on the minus strand). VCF-style: chr5-131670501-G-A. GRCh37 (hg19) VCF-style: chr5-131006194-G-A.
Other names: c.2986C>T, p.Arg996Cys (NM_001008738.3); c.2935C>T, p.Arg979Cys (NM_001346114.2); short protein forms R996C, R1024C, R979C.
Identifiers: ClinVar variation 2548425 (VCV002548425.4), dbSNP rs143921415, ClinGen allele CA3400415.

ClinVar aggregate classification (germline): Uncertain significance. Review status: criteria provided, multiple submitters, no conflicts (2 of 4 stars). 2 submissions from 2 submitters: Uncertain significance (2). Last evaluated 2024-09-19.

Conditions:
Inborn genetic diseases. Identifiers: MedGen C0950123, MeSH D030342.

Allele frequency attached by ClinVar (database versions not stated): TOPMed 0.00002; ExAC 0.00003; gnomAD 0.00003; gnomAD exomes 0.00003; ESP Exome Variant Server 0.00008.
gnomAD v4.1: 44 of 1,612,256 alleles (0.0027%); highest among the groups gnomAD compares: Non-Finnish European, 0.0031%; no homozygotes.

Submissions (2):

Labcorp Genetics (formerly Invitae), Labcorp
Classification: Uncertain significance. Last evaluated: 2024-09-19. Review status: criteria provided, single submitter. Criteria: Invitae Variant Classification Sherloc (09022015). Collection method: clinical testing. Allele origin: germline.
Comment: This sequence change replaces arginine, which is basic and polar, with cysteine, which is neutral and slightly polar, at codon 1024 of the FNIP1 protein (p.Arg1024Cys). This variant is present in population databases (rs143921415, gnomAD 0.007%). This variant has not been reported in the literature in individuals affected with FNIP1-related conditions. ClinVar contains an entry for this variant (Variation ID: 2548425). An algorithm developed to predict the effect of missense changes on protein structure and function (PolyPhen-2) suggests that this variant is likely to be disruptive. In summary, the available evidence is currently insufficient to determine the role of this variant in disease. Therefore, it has been classified as a Variant of Uncertain Significance.

Ambry Genetics
Classification: Uncertain significance for Inborn genetic diseases. Last evaluated: 2023-05-18. Review status: criteria provided, single submitter. Criteria: Ambry Variant Classification Scheme 2023. Collection method: clinical testing. Allele origin: germline.